The following is an entry in ClinVar:

ClinVar aggregate classification (germline): Uncertain significance (1 of 4 stars; one submission).

gnomAD v4.1: 1 of 1,211,388 alleles (0.000083%); highest among the groups gnomAD compares: Non-Finnish European, 0.00011%; no homozygotes.

Submission:

GeneDx
Classification: Uncertain significance. Last evaluated: 2026-01-25. Review status: criteria provided, single submitter. Criteria: GeneDx Variant Classification Process June 2021. Collection method: clinical testing. Allele origin: germline.
Comment: Not observed at significant frequency in large population cohorts (gnomAD); In silico analysis suggests that this missense variant does not alter protein structure/function; Has not been previously published as pathogenic or benign to our knowledge

NM_144658.4(DOCK11):c.6176C>T (p.Thr2059Ile)

Gene: DOCK11 (dedicator of cytokinesis 11; plus strand). Cytogenetic location: Xq24.
Variant type: single nucleotide variant.
Coding change: c.6176C>T on transcript NM_144658.4 (MANE Select); coding-DNA position 6176, C replaced by T.
Protein change: p.Thr2059Ile; replaces threonine 2059 with isoleucine.
Molecular consequence: missense variant.
Genome position (GRCh38, 1-based): chrX:118,685,761, C>T. VCF-style: chrX-118685761-C-T. GRCh37 (hg19) VCF-style: chrX-117819724-C-T.
Other names: short protein forms T2059I.
Identifiers: ClinVar variation 4975536 (VCV004975536.1).